The following is an entry in ClinVar:

ClinVar aggregate classification (germline): Likely benign. Review status: criteria provided, multiple submitters, no conflicts (2 of 4 stars). 3 submissions from 3 submitters: Likely benign (3). Last evaluated 2025-06-24.

Conditions:
Ullrich congenital muscular dystrophy 2 (UCMD2). Identifiers: Orphanet 75840, MedGen C4225314, MONDO:0014654, OMIM 616470.
Bethlem myopathy 2 (BTHLM2). Identifiers: Orphanet 536516, Orphanet 610, MedGen C4225313, MONDO:0034022, OMIM 616471.

Allele frequency attached by ClinVar (database versions not stated): gnomAD exomes 0.00001; TOPMed below 0.00001; gnomAD 0.00001.
gnomAD v4.1: 19 of 1,611,948 alleles (0.0012%); highest among the groups gnomAD compares: Non-Finnish European, 0.0015%; no homozygotes.

Submissions (3):

Mayo Clinic Laboratories, Mayo Clinic
Classification: Likely benign. Last evaluated: 2025-06-24. Review status: criteria provided, single submitter. Criteria: ACMG Guidelines, 2015. Collection method: clinical testing. Allele origin: germline. Observed: 1 variant allele.
Comment: BP4, BP7

Labcorp Genetics (formerly Invitae), Labcorp
Classification: Likely benign for Bethlem myopathy 2; Ullrich congenital muscular dystrophy 2. Last evaluated: 2025-05-11. Review status: criteria provided, single submitter. Criteria: Invitae Variant Classification Sherloc (09022015). Collection method: clinical testing. Allele origin: germline.

GeneDx
Classification: Likely benign. Last evaluated: 2020-08-28. Review status: criteria provided, single submitter. Criteria: GeneDx Variant Classification Process June 2021. Collection method: clinical testing. Allele origin: germline. Affected: yes.

NM_004370.6(COL12A1):c.7023A>G (p.Lys2341=)

Gene: COL12A1 (collagen type XII alpha 1 chain; minus strand). Cytogenetic location: 6q13.
Variant type: single nucleotide variant.
Coding change: c.7023A>G on transcript NM_004370.6 (MANE Select); coding-DNA position 7023, A replaced by G.
Protein change: p.Lys2341=; no amino-acid change (lysine 2341 retained).
Molecular consequence: synonymous variant.
Genome position (GRCh38, 1-based): chr6:75,121,365, T>C on the plus strand (A>G on the coding strand, the complement: COL12A1 is on the minus strand). VCF-style: chr6-75121365-T-C. GRCh37 (hg19) VCF-style: chr6-75831081-T-C.
Other names: p.Lys2341=; c.3531A>G, p.Lys1177= (NM_080645.3).
Identifiers: ClinVar variation 1223712 (VCV001223712.6), dbSNP rs1188817520, ClinGen allele CA450927555.
Genomic context (GRCh38, chr6:75,121,365, plus strand): 5'-AATCCCAGCAGGACTGATTTCATCAAAGCCTCCCACAGTATTGAAGATGAATTTTACAAC[T>C]TTGTTAAAATTATCGTCCCCAATGCTCCAGGAGGCATCAGTCAAGAACACAATATCTGCC-3'
Protein context (NP_004361.3, residues 2331-2351): SWSIGDDNFN[Lys2341=]VVKFIFNTVG